The following is an entry in ClinVar:

ClinVar aggregate classification (germline): Pathogenic (1 of 4 stars; one submission).

Conditions:
Generalized juvenile polyposis/juvenile polyposis coli. Also called: Juvenile polyposis coli. Identifiers: Orphanet 329971, MedGen C1868081, MONDO:0008276.

Submission:

Labcorp Genetics (formerly Invitae), Labcorp
Classification: Pathogenic for Juvenile polyposis syndrome. Last evaluated: 2018-10-11. Review status: criteria provided, single submitter. Criteria: Invitae Variant Classification Sherloc (09022015). Collection method: clinical testing. Allele origin: germline.
Comment: This variant is a gross deletion of the genomic region encompassing exon 3 of the BMPR1A gene, which includes the initiator codon.Â¬â€ The 5' end of this event is likely confined to intron 2 of the BMPR1A gene. The 3' boundary is likely confined to intron 3 of the BMPR1A gene. This is expected to result in an absent or disrupted protein product. A deletion of exon 3 has been observed in an individual affected with colonic polyps (PMID:Â¬â€ 26681312). Loss-of-function variants in BMPR1A are known to be pathogenic (PMID: 11536076, 12417513). For these reasons, this variant has been classified as Pathogenic.

NC_000010.11:g.(?_86876009)_(86876095_?)del

Gene: BMPR1A (bone morphogenetic protein receptor type 1A; plus strand). Cytogenetic location: 10q23.2.
Variant type: Deletion.
Identifiers: ClinVar variation 660680 (VCV000660680.1).